The following is an entry in ClinVar:

NM_005422.4(TECTA):c.1533C>T (p.Asp511=)

Genes: TBCEL-TECTA (TBCEL-TECTA readthrough; plus strand), TECTA (tectorin alpha; plus strand). Cytogenetic location: 11q23.3.
Variant type: single nucleotide variant.
Coding change: c.1533C>T on transcript NM_005422.4 (MANE Select); coding-DNA position 1533, C replaced by T.
Protein change: p.Asp511=; no amino-acid change (aspartic acid 511 retained).
Molecular consequence: synonymous variant.
Genome position (GRCh38, 1-based): chr11:121,125,631, C>T. VCF-style: chr11-121125631-C-T. GRCh37 (hg19) VCF-style: chr11-120996340-C-T.
Other names: c.2490C>T, p.Asp830= (NM_001378761.1).
Identifiers: ClinVar variation 3454655 (VCV003454655.7).

ClinVar aggregate classification (germline): Likely benign. Review status: criteria provided, multiple submitters, no conflicts (2 of 4 stars). 2 submissions from 2 submitters: Likely benign (2). Last evaluated 2025-11-01.

Conditions:
Inborn genetic diseases. Identifiers: MedGen C0950123, MeSH D030342.

gnomAD v4.1: 70 of 1,612,340 alleles (0.0043%); highest among the groups gnomAD compares: Non-Finnish European, 0.0057%; no homozygotes.

Submissions (2):

CeGaT Center for Human Genetics Tuebingen
Classification: Likely benign. Last evaluated: 2025-11-01. Review status: criteria provided, single submitter. Criteria: CeGaT Center For Human Genetics Tuebingen Variant Classification Criteria Version 2. Collection method: clinical testing. Allele origin: germline. Affected: yes. Observed: 1 variant allele.
Comment: TECTA: BP4, BP7

Ambry Genetics
Classification: Likely benign for Inborn genetic diseases. Last evaluated: 2024-08-12. Review status: criteria provided, single submitter. Criteria: Ambry Variant Classification Scheme 2023. Collection method: clinical testing. Allele origin: germline.